The following is an entry in ClinVar:

NM_005909.5(MAP1B):c.6106dup (p.Asp2036fs)

Gene: MAP1B (microtubule associated protein 1B; plus strand). Cytogenetic location: 5q13.2.
Variant type: Duplication.
Coding change: c.6106dup on transcript NM_005909.5 (MANE Select); coding-DNA position 6106, one base duplicated (G; older notation c.6106dupG).
Protein change: p.Asp2036fs; shifts the reading frame from aspartic acid 2036.
Molecular consequence: frameshift variant.
Genome position (GRCh38, 1-based): chr5:72,199,461, G duplicated. VCF-style (leftmost placement, unchanged base first): chr5-72199460-T-TG. GRCh37 (hg19) VCF-style: chr5-71495287-T-TG.
Other names: c.5728dup, p.Asp1910fs (NM_001324255.2); short protein forms D1910fs, D2036fs.
Identifiers: ClinVar variation 986081 (VCV000986081.5), dbSNP rs1747274021, ClinGen allele CA1139658887.

ClinVar aggregate classification (germline): Pathogenic (1 of 4 stars; one submission).

Conditions:
Inborn genetic diseases. Identifiers: MedGen C0950123, MeSH D030342.

Submission:

Ambry Genetics
Classification: Pathogenic for Inborn genetic diseases. Last evaluated: 2025-03-12. Review status: criteria provided, single submitter. Criteria: Ambry Variant Classification Scheme 2023. Collection method: clinical testing. Allele origin: germline.
Comment: The c.6106dupG (p.D2036Gfs*15) alteration, located in coding exon 5 of the MAP1B gene, results from a duplication of G at position 6106, causing a translational frameshift with a predicted alternate stop codon after 15 amino acids. This alteration is expected to result in loss of function by premature protein truncation or nonsense-mediated mRNA decay. This variant was not reported in population-based cohorts in the Genome Aggregation Database (gnomAD). This variant was reported in individual(s) with features consistent with MAP1B-related neurodevelopmental disorder (Ambry internal data). Based on the available evidence, this alteration is classified as pathogenic.